The following is an entry in ClinVar:

NC_000023.11:g.48902795G>A

Genes: SLC35A2 (solute carrier family 35 member A2; minus strand), PQBP1 (polyglutamine binding protein 1; plus strand). Cytogenetic location: Xp11.23.
Variant type: single nucleotide variant.
Molecular consequence: missense variant (on NM_001032382.2).
Genome position: GRCh38 VCF-style: chrX-48902795-G-A. GRCh37 (hg19) VCF-style: chrX-48760072-G-A.
Other names: c.641G>A, p.Arg214Gln (NM_001032381.2, NM_001032382.2, NM_001032383.2 and 2 more transcripts); c.638G>A, p.Arg213Gln (NM_001167989.2); c.617G>A, p.Arg206Gln (NM_001167990.2); c.341G>A, p.Arg114Gln (NM_001167992.1); c.356G>A, p.Arg119Gln (NM_144495.3); short protein forms R114Q, R119Q, R206Q, R213Q, R214Q.
Identifiers: ClinVar variation 3777393 (VCV003777393.1).

ClinVar aggregate classification (germline): Uncertain significance (1 of 4 stars; one submission).

gnomAD v4.1: 9 of 1,200,865 alleles (0.00075%); highest among the groups gnomAD compares: Non-Finnish European, 0.001%; no homozygotes.

Submission:

GeneDx
Classification: Uncertain significance. Last evaluated: 2024-10-04. Review status: criteria provided, single submitter. Criteria: GeneDx Variant Classification Process June 2021. Collection method: clinical testing. Allele origin: germline. Affected: yes.
Comment: Reported using an alternate transcript of the gene; In silico analysis supports that this missense variant has a deleterious effect on protein structure/function; Has not been previously published as pathogenic or benign to our knowledge